The following is an entry in ClinVar:

NM_001384474.1(LOXHD1):c.2863G>T (p.Glu955Ter)

Gene: LOXHD1 (lipoxygenase homology PLAT domains 1; minus strand). Cytogenetic location: 18q21.1.
Variant type: single nucleotide variant.
Coding change: c.2863G>T on transcript NM_001384474.1 (MANE Select); coding-DNA position 2863, G replaced by T.
Protein change: p.Glu955Ter; replaces glutamic acid 955 with a stop codon.
Molecular consequence: nonsense.
Genome position (GRCh38, 1-based): chr18:46,560,281, C>A on the plus strand (G>T on the coding strand, the complement: LOXHD1 is on the minus strand). VCF-style: chr18-46560281-C-A. GRCh37 (hg19) VCF-style: chr18-44140244-C-A.
Other names: c.2863G>T (NM_144612.6); c.2863G>T, p.Glu955Ter (NM_144612.7); short protein forms E955*.
Identifiers: ClinVar variation 1526069 (VCV001526069.3), dbSNP rs548893604, ClinGen allele CA299794400.

ClinVar aggregate classification (germline): Pathogenic. Review status: criteria provided, multiple submitters, no conflicts (2 of 4 stars). 3 submissions from 3 submitters: Pathogenic (3). Last evaluated 2025-10-20.

Conditions:
Autosomal recessive nonsyndromic hearing loss 77. Identifiers: Orphanet 90636, MedGen C2746083, MONDO:0013119, OMIM 613079.

gnomAD v4.1: 2 of 1,551,962 alleles (0.00013%); highest among the groups gnomAD compares: Non-Finnish European, 0.00017%; no homozygotes.

Submissions (3):

Myriad Genetics, Inc.
Classification: Pathogenic for Autosomal recessive nonsyndromic hearing loss 77. Last evaluated: 2025-10-20. Review status: criteria provided, single submitter. Criteria: Myriad Autosomal Dominant, Autosomal Recessive and X-Linked Classification Criteria (2023). Collection method: clinical testing. Allele origin: unknown.
Comment: NM_144612.6(LOXHD1):c.2863G>T(E955*) is a nonsense variant classified as pathogenic in the context of nonsyndromic hearing loss, LOXHD1-related. E955* has been observed in a case with relevant disease (PMID: 23226338). Relevant functional assessments of this variant are not available in the literature. E955* has not been observed in referenced population frequency databases. In summary, NM_144612.6(LOXHD1):c.2863G>T(E955*) is a nonsense variant in a gene where loss of function is a known mechanism of disease, is predicted to disrupt protein function, and has been observed more frequently in cases with the relevant disease than in healthy populations. Please note: this variant was assessed in the context of healthy population screening.

Fulgent Genetics
Classification: Pathogenic for Autosomal recessive nonsyndromic hearing loss 77. Last evaluated: 2024-06-06. Review status: criteria provided, single submitter. Criteria: ACMG Guidelines, 2015. Collection method: clinical testing. Allele origin: germline.

3billion
Classification: Pathogenic for Autosomal recessive nonsyndromic hearing loss 77. Last evaluated: 2022-03-22. Review status: criteria provided, single submitter. Criteria: ACMG Guidelines, 2015. Collection method: clinical testing. Allele origin: germline. Affected: yes. Observed: 1 heterozygote.
Comment: Stop-gained (nonsense): predicted to result in a loss or disruption of normal protein function through nonsense-mediated decay (NMD) or protein truncation. Multiple pathogenic variants are reported downstream of the variant.It is not observed in the gnomAD v2.1.1 dataset. This variant has been reported to be associated with LOXHD1 related disorder (PMID:23226338). Therefore, this variant is classified as pathogenic according to the recommendation of ACMG/AMP guideline.

Literature cited by the submitters: PubMed 23226338 (cited by Myriad Genetics, Inc. and 3billion).